The following is an entry in ClinVar:

NM_152703.5(SAMD9L):c.3790C>A (p.Leu1264Met)

Gene: SAMD9L (sterile alpha motif domain containing 9 like; minus strand). Cytogenetic location: 7q21.2.
Variant type: single nucleotide variant.
Coding change: c.3790C>A on transcript NM_152703.5 (MANE Select); coding-DNA position 3790, C replaced by A.
Protein change: p.Leu1264Met; replaces leucine 1264 with methionine.
Molecular consequence: missense variant.
Genome position (GRCh38, 1-based): chr7:93,132,182, G>T on the plus strand (C>A on the coding strand, the complement: SAMD9L is on the minus strand). VCF-style: chr7-93132182-G-T. GRCh37 (hg19) VCF-style: chr7-92761495-G-T.
Other names: c.3790C>A, p.Leu1264Met (NM_001303496.3, NM_001303497.3, NM_001303498.3 and 5 more transcripts); short protein forms L1264M.
Identifiers: ClinVar variation 2505917 (VCV002505917.1), dbSNP rs2535409289, ClinGen allele CA368180015.
Genomic context (GRCh38, chr7:93,132,182, plus strand): 5'-GGGTATACCTCATTTTCAGAAGAACCATATAATCAATAAAAAAGTCAAAGCACCTTTTCA[G>T]ATCTGATTGTAAATTTTTTAGGTGGGATGTGAACTTGCTAAGAGCCAAATAACATTCATT-3'
Protein context (NP_689916.2, residues 1254-1274): TSHLKNLQSD[Leu1264Met]KRCFDFFIDY

ClinVar aggregate classification (germline): Uncertain significance (1 of 4 stars; one submission).

gnomAD v4.1: 2 of 1,613,648 alleles (0.00012%); highest among the groups gnomAD compares: Non-Finnish European, 0.00017%; no homozygotes.

Submission:

GeneDx
Classification: Uncertain significance. Last evaluated: 2022-12-12. Review status: criteria provided, single submitter. Criteria: GeneDx Variant Classification Process June 2021. Collection method: clinical testing. Allele origin: germline. Affected: yes.
Comment: Not observed at significant frequency in large population cohorts (gnomAD); In silico analysis supports that this missense variant does not alter protein structure/function; Has not been previously published as pathogenic or benign to our knowledge